The following is an entry in ClinVar:

ClinVar aggregate classification (germline): Uncertain significance (1 of 4 stars; one submission).

Conditions:
Inborn genetic diseases. Identifiers: MedGen C0950123, MeSH D030342.

Submission:

Ambry Genetics
Classification: Uncertain significance for Inborn genetic diseases. Last evaluated: 2024-09-21. Review status: criteria provided, single submitter. Criteria: Ambry Variant Classification Scheme 2023. Collection method: clinical testing. Allele origin: germline.
Comment: The p.I956T variant (also known as c.2867T>C), located in coding exon 22 of the BUB1B gene, results from a T to C substitution at nucleotide position 2867. The isoleucine at codon 956 is replaced by threonine, an amino acid with similar properties. This amino acid position is conserved. In addition, the in silico prediction for this alteration is inconclusive. Based on the available evidence, the clinical significance of this variant remains unclear.

NM_001211.6(BUB1B):c.2867T>C (p.Ile956Thr)

Genes: BUB1B (BUB1 mitotic checkpoint serine/threonine kinase B; plus strand), BUB1B-PAK6 (BUB1B-PAK6 readthrough; plus strand). Cytogenetic location: 15q15.1.
Variant type: single nucleotide variant.
Coding change: c.2867T>C on transcript NM_001211.6 (MANE Select); coding-DNA position 2867, T replaced by C.
Protein change: p.Ile956Thr; replaces isoleucine 956 with threonine.
Molecular consequence: missense variant. On other transcripts: intron variant (2).
Genome position (GRCh38, 1-based): chr15:40,218,472, T>C. VCF-style: chr15-40218472-T-C. GRCh37 (hg19) VCF-style: chr15-40510673-T-C.
Other names: c.-201+805T>C (NM_001128628.3); c.-118+805T>C (NM_001128629.3); short protein forms I956T.
Identifiers: ClinVar variation 3483200 (VCV003483200.1).